The following is an entry in ClinVar:

NM_000371.4(TTR):c.200G>C (p.Gly67Ala)

Gene: TTR (transthyretin; plus strand). Cytogenetic location: 18q12.1.
Variant type: single nucleotide variant.
Coding change: c.200G>C on transcript NM_000371.4 (MANE Select); coding-DNA position 200, G replaced by C.
Protein change: p.Gly67Ala; replaces glycine 67 with alanine.
Molecular consequence: missense variant.
Genome position (GRCh38, 1-based): chr18:31,593,026, G>C. VCF-style: chr18-31593026-G-C. GRCh37 (hg19) VCF-style: chr18-29172989-G-C.
Other names: G47A; short protein forms G67A.
Identifiers: ClinVar variation 13451 (VCV000013451.6), dbSNP rs121918090, ClinGen allele CA256845.

ClinVar aggregate classification (germline): Pathogenic. Review status: criteria provided, multiple submitters, no conflicts (2 of 4 stars). 5 submissions from 5 submitters: Pathogenic (4). 1 of the submissions does not count toward it. Last evaluated 2024-03-20.

Conditions:
Cardiovascular phenotype. Identifiers: MedGen CN230736.
Amyloidosis, hereditary systemic 1 (AMYLD1). Also called: Transthyretin Amyloidosis; Hereditary Transthyretin Amyloidosis; Isolated Cardiac Amyloidosis; Amyloid Cardiomyopathy, Transthyretin-related; Familial amyloid polyneuropathy; Hereditary oculoleptomeningeal amyloid angiopathy. Identifiers: Orphanet 85447, Orphanet 85451, MedGen C2751492, MONDO:0971004, OMIM 105210.

Submissions (5):

Labcorp Genetics (formerly Invitae), Labcorp
Classification: Pathogenic for Amyloidosis, hereditary systemic 1. Last evaluated: 2024-03-20. Review status: criteria provided, single submitter. Criteria: Invitae Variant Classification Sherloc (09022015). Collection method: clinical testing. Allele origin: germline.
Comment: This sequence change replaces glycine, which is neutral and non-polar, with alanine, which is neutral and non-polar, at codon 67 of the TTR protein (p.Gly67Ala). This variant also falls at the last nucleotide of exon 2, which is part of the consensus splice site for this exon. This variant is not present in population databases (gnomAD no frequency). This missense change has been observed in individuals with clinical features of transthyretin amyloidosis (PMID: 7951260, 10677864, 24053266, 34024775). It has also been observed to segregate with disease in related individuals. This variant is also known as p.Gly47Ala. ClinVar contains an entry for this variant (Variation ID: 13451). An algorithm developed to predict the effect of missense changes on protein structure and function (PolyPhen-2) suggests that this variant is likely to be disruptive. Variants that disrupt the consensus splice site are a relatively common cause of aberrant splicing (PMID: 17576681, 9536098). This variant disrupts the c.200G nucleotide in the TTR gene. Other variant(s) that disrupt this nucleotide have been determined to be pathogenic (PMID: 12000196, 20209591). This suggests that this nucleotide is clinically significant, and that variants that disrupt this position are likely to be disease-causing. For these reasons, this variant has been classified as Pathogenic.

Ambry Genetics
Classification: Pathogenic for Cardiovascular phenotype. Last evaluated: 2021-12-29. Review status: criteria provided, single submitter. Criteria: Ambry Variant Classification Scheme 2023. Collection method: clinical testing. Allele origin: germline.
Comment: The p.G67A pathogenic mutation (also known as c.200G>C), located in coding exon 2 of the TTR gene, results from a G to C substitution at nucleotide position 200. The amino acid change results in glycine to alanine at codon 67, an amino acid with similar properties. This mutation, which is also known as p.G47A, was first reported in two unrelated Italian families with transthyretin (TTR) amyloidosis; both families presented with peripheral neuropathy and cardiomyopathy (Ferlini A et al. Hum. Mutat., 1994;4:61-4; Ferlini A et al. Clin. Genet., 2000 Apr;57:284-90). In a large cohort of families with TTR amyloidosis, this mutation was identified in 7 individuals from 2 unrelated families; 4 of these individuals had a mixed cardiac and neurologic phenotype and 3 of these individuals only had neurologic phenotype (Rapezzi C et al. Eur. Heart J., 2013 Feb;34:520-8). This variant is considered to be rare based on population cohorts in the Genome Aggregation Database (gnomAD). In addition, this alteration is predicted to be deleterious by BayesDel in silico analysis. Based on the supporting evidence, this alteration is interpreted as a disease-causing mutation.

Women's Health and Genetics/Laboratory Corporation of America, LabCorp
Classification: Pathogenic for Amyloidosis, hereditary systemic 1. Last evaluated: 2017-02-15. Review status: criteria provided, single submitter. Criteria: LabCorp Variant Classification Summary - May 2015. Collection method: clinical testing. Allele origin: germline.
Comment: Variant summary: The TTR c.200G>C (p.Gly67Ala) variant involves the alteration of a conserved nucleotide. 3/4 in silico tools predict a damaging outcome for this substitution (SNPs&GO not captured due to low reliability index). This variant is absent in 121408 control chromosomes but was reported in several patients suggesting causality. Moreover, in at least two families the variant was observed to co-segregate with the disease further supporting a pathogenic outcome. Different variants affecting the same codon are listed in HGMD/ClinVar with a casual classification indicating the variant to be located in a mutational hotspot which supports the clinical relevance of the Gly67 residue. In addition, the p.Gly67Ala is found worldwide and has a high prevalence in German familial amyloid polyneuropathy patients (Niemietz_PlosOne_2016). Taken together, this variant is classified as pathogenic.

Athena Diagnostics
Classification: Pathogenic. Last evaluated: 2016-03-31. Review status: criteria provided, single submitter. Criteria: Athena Diagnostics Criteria. Collection method: clinical testing. Allele origin: germline.

OMIM
Classification: Pathogenic for AMYLOIDOSIS, HEREDITARY SYSTEMIC 1. Last evaluated: 2000-04-01. Review status: no assertion criteria provided. Collection method: literature only. Allele origin: germline. Not counted in ClinVar's aggregate classification.

Literature cited by the submitters: PubMed 7951260 (cited by 4 submitters); PubMed 10677864 (cited by Labcorp Genetics (formerly Invitae), Labcorp and Ambry Genetics); PubMed 24053266 (cited by 3 submitters); PubMed 34024775 (cited by Labcorp Genetics (formerly Invitae), Labcorp); PubMed 17576681 (cited by Labcorp Genetics (formerly Invitae), Labcorp); PubMed 9536098 (cited by Labcorp Genetics (formerly Invitae), Labcorp); PubMed 12000196 (cited by Labcorp Genetics (formerly Invitae), Labcorp); PubMed 20209591 (cited by Labcorp Genetics (formerly Invitae), Labcorp); PubMed 10845569 (cited by 3 submitters); PubMed 22745357 (cited by 3 submitters); PubMed 27584576 (cited by Women's Health and Genetics/Laboratory Corporation of America, LabCorp); PubMed 15123043 (cited by Women's Health and Genetics/Laboratory Corporation of America, LabCorp); PubMed 17503405 (cited by Women's Health and Genetics/Laboratory Corporation of America, LabCorp and Athena Diagnostics); PubMed 12440483 (cited by Athena Diagnostics); PubMed 21550574 (cited by Athena Diagnostics); PubMed 24101373 (cited by Athena Diagnostics); PubMed 12557758 (cited by Athena Diagnostics); PubMed 19752327 (cited by Athena Diagnostics).